The following is an entry in ClinVar:

ClinVar aggregate classification (germline): Uncertain significance (1 of 4 stars; one submission).

Conditions:
Neurofibromatosis, type 1 (NF1). Also called: Peripheral type neurofibromatosis; Neurofibromatosis, type I; VON RECKLINGHAUSEN DISEASE; NEUROFIBROMATOSIS, TYPE I, SOMATIC. Identifiers: Orphanet 636, MedGen C0027831, MONDO:0018975, OMIM 162200. Disease mechanism: loss of function.

Submission:

Labcorp Genetics (formerly Invitae), Labcorp
Classification: Uncertain significance for Neurofibromatosis, type 1. Last evaluated: 2019-06-07. Review status: criteria provided, single submitter. Criteria: Invitae Variant Classification Sherloc (09022015). Collection method: clinical testing. Allele origin: germline.
Comment: In summary, the available evidence is currently insufficient to determine the role of this variant in disease. Therefore, it has been classified as a Variant of Uncertain Significance. Algorithms developed to predict the effect of missense changes on protein structure and function are either unavailable or do not agree on the potential impact of this missense change (SIFT: "Deleterious"; PolyPhen-2: "Benign"; Align-GVGD: "Class C0"). This variant has not been reported in the literature in individuals with NF1-related conditions. This variant is not present in population databases (ExAC no frequency). This sequence change replaces methionine with threonine at codon 693 of the NF1 protein (p.Met693Thr). The methionine residue is moderately conserved and there is a moderate physicochemical difference between methionine and threonine.

NM_001042492.3(NF1):c.2078T>C (p.Met693Thr)

Gene: NF1 (neurofibromin 1; plus strand). Cytogenetic location: 17q11.2.
Variant type: single nucleotide variant.
Coding change: c.2078T>C on transcript NM_001042492.3 (MANE Select); coding-DNA position 2078, T replaced by C.
Protein change: p.Met693Thr; replaces methionine 693 with threonine.
Molecular consequence: missense variant.
Genome position (GRCh38, 1-based): chr17:31,226,511, T>C. VCF-style: chr17-31226511-T-C. GRCh37 (hg19) VCF-style: chr17-29553529-T-C.
Other names: c.2078T>C, p.Met693Thr (NM_000267.4); short protein forms M693T.
Identifiers: ClinVar variation 947489 (VCV000947489.6), dbSNP rs2067017258, ClinGen allele CA398982186.